The following is an entry in ClinVar:

ClinVar aggregate classification (germline): Uncertain significance (1 of 4 stars; one submission).

Conditions:
Cardiovascular phenotype. Identifiers: MedGen CN230736.

Submission:

Ambry Genetics
Classification: Uncertain significance for Cardiovascular phenotype. Last evaluated: 2020-12-31. Review status: criteria provided, single submitter. Criteria: Ambry Variant Classification Scheme 2023. Collection method: clinical testing. Allele origin: germline.
Comment: The p.H1338Q variant (also known as c.4014T>G), located in coding exon 28 of the MYH7 gene, results from a T to G substitution at nucleotide position 4014. The histidine at codon 1338 is replaced by glutamine, an amino acid with highly similar properties. This amino acid position is highly conserved in available vertebrate species. In addition, the in silico prediction for this alteration is inconclusive. Since supporting evidence is limited at this time, the clinical significance of this alteration remains unclear.

NM_000257.4(MYH7):c.4014T>G (p.His1338Gln)

Gene: MYH7 (myosin heavy chain 7; minus strand). Cytogenetic location: 14q11.2.
Variant type: single nucleotide variant.
Coding change: c.4014T>G on transcript NM_000257.4 (MANE Select); coding-DNA position 4014, T replaced by G.
Protein change: p.His1338Gln; replaces histidine 1338 with glutamine.
Molecular consequence: missense variant.
Genome position (GRCh38, 1-based): chr14:23,418,365, A>C on the plus strand (T>G on the coding strand, the complement: MYH7 is on the minus strand). VCF-style: chr14-23418365-A-C. GRCh37 (hg19) VCF-style: chr14-23887574-A-C.
Other names: c.4014T>G, p.His1338Gln (NM_001407004.1); short protein forms H1338Q.
Identifiers: ClinVar variation 1737049 (VCV001737049.2), dbSNP rs2502256772, ClinGen allele CA389041227.